The following is an entry in ClinVar:

ClinVar aggregate classification (germline): Uncertain significance. Review status: criteria provided, multiple submitters, no conflicts (2 of 4 stars). 2 submissions from 2 submitters: Uncertain significance (2). Last evaluated 2025-01-29.

Conditions:
Spastic paraplegia. Identifiers: MedGen C0037772, HP:0001258.
Hereditary spastic paraplegia 10 (SPG10). Also called: SPASTIC PARAPLEGIA 10, AUTOSOMAL DOMINANT; SPASTIC PARAPLEGIA 10 WITH PERIPHERAL NEUROPATHY; SPASTIC PARAPLEGIA 10 WITH OR WITHOUT PERIPHERAL NEUROPATHY. Identifiers: Orphanet 100991, MedGen C1858712, MONDO:0011408, OMIM 604187.

Allele frequency attached by ClinVar (database versions not stated): ExAC 0.00001; gnomAD 0.00001; gnomAD exomes 0.00002; TOPMed 0.00002.
gnomAD v4.1: 24 of 1,613,854 alleles (0.0015%); highest among the groups gnomAD compares: South Asian, 0.0088%; no homozygotes.

Submissions (2):

Labcorp Genetics (formerly Invitae), Labcorp
Classification: Uncertain significance for Spastic paraplegia. Last evaluated: 2025-01-29. Review status: criteria provided, single submitter. Criteria: Invitae Variant Classification Sherloc (09022015). Collection method: clinical testing. Allele origin: germline.
Comment: This sequence change replaces arginine, which is basic and polar, with tryptophan, which is neutral and slightly polar, at codon 707 of the KIF5A protein (p.Arg707Trp). This variant is present in population databases (rs756646293, gnomAD 0.01%). This variant has not been reported in the literature in individuals affected with KIF5A-related conditions. ClinVar contains an entry for this variant (Variation ID: 634594). Invitae Evidence Modeling of protein sequence and biophysical properties (such as structural, functional, and spatial information, amino acid conservation, physicochemical variation, residue mobility, and thermodynamic stability) has been performed for this missense variant. However, the output from this modeling did not meet the statistical confidence thresholds required to predict the impact of this variant on KIF5A protein function. In summary, the available evidence is currently insufficient to determine the role of this variant in disease. Therefore, it has been classified as a Variant of Uncertain Significance.

Genomic Research Center, Shahid Beheshti University of Medical Sciences
Classification: Uncertain significance for Spastic paraplegia 10. Last evaluated: 2019-01-01. Review status: criteria provided, single submitter. Criteria: ACMG Guidelines, 2015. Collection method: clinical testing. Allele origin: unknown. Affected: yes. Observed: 1 variant allele.

NM_004984.4(KIF5A):c.2119C>T (p.Arg707Trp)

Gene: KIF5A (kinesin family member 5A; plus strand). Cytogenetic location: 12q13.3.
Variant type: single nucleotide variant.
Coding change: c.2119C>T on transcript NM_004984.4 (MANE Select); coding-DNA position 2119, C replaced by T.
Protein change: p.Arg707Trp; replaces arginine 707 with tryptophan.
Molecular consequence: missense variant.
Genome position (GRCh38, 1-based): chr12:57,576,299, C>T. VCF-style: chr12-57576299-C-T. GRCh37 (hg19) VCF-style: chr12-57970082-C-T.
Other names: c.1852C>T, p.Arg618Trp (NM_001354705.2); short protein forms R707W, R618W.
Identifiers: ClinVar variation 634594 (VCV000634594.11), dbSNP rs756646293, ClinGen allele CA6653010.